The following is an entry in ClinVar:

ClinVar aggregate classification (germline): Likely benign (1 of 4 stars; one submission).

Conditions:
BAAT-related disorder. Also called: BAAT-related condition.

gnomAD v4.1: 4 of 1,614,110 alleles (0.00025%); highest among the groups gnomAD compares: Non-Finnish European, 0.00034%; no homozygotes.

Submission:

PreventionGenetics, part of Exact Sciences
Classification: Likely benign for BAAT-related condition. Last evaluated: 2026-06-16. Review status: criteria provided, single submitter. Criteria: ACMG Guidelines, 2015. Collection method: clinical testing. Allele origin: germline.
Comment: This variant is classified as likely benign based on ACMG/AMP sequence variant interpretation guidelines (Richards et al. 2015 PMID: 25741868, with internal and published modifications).

NM_001701.4(BAAT):c.789T>G (p.Pro263=)

Gene: BAAT (bile acid-CoA:amino acid N-acyltransferase; minus strand). Cytogenetic location: 9q31.1.
Variant type: single nucleotide variant.
Coding change: c.789T>G on transcript NM_001701.4 (MANE Select); coding-DNA position 789, T replaced by G.
Protein change: p.Pro263=; no amino-acid change (proline 263 retained).
Molecular consequence: synonymous variant.
Genome position (GRCh38, 1-based): chr9:101,362,896, A>C on the plus strand (T>G on the coding strand, the complement: BAAT is on the minus strand). VCF-style: chr9-101362896-A-C. GRCh37 (hg19) VCF-style: chr9-104125178-A-C.
Other names: c.789T>G, p.Pro263= (NM_001127610.2, NM_001374715.1).
Identifiers: ClinVar variation 4983087 (VCV004983087.1).
Genomic context (GRCh38, chr9:101,362,896, plus strand): 5'-TTGTGCAGAATGGGGAAGGGGCTGATGGATCTGACCATGATATACCTGTGGAATGCCAAA[A>C]GGAAAGTTGGTCCCATTAATAAGTACCGTGGCTGTGACTTGCTTTAGGTAAATAGCCATA-3'
Protein context (NP_001692.1, residues 253-273): ATVLINGTNF[Pro263=]FGIPQVYHGQ